The following is an entry in ClinVar:

ClinVar aggregate classification (germline): Uncertain significance (1 of 4 stars; one submission).

Conditions:
Peroxisome biogenesis disorder. Identifiers: Orphanet 79189, MedGen C1832200, MONDO:0019234. Disease mechanism: loss of function.

Allele frequency attached by ClinVar (database versions not stated): ExAC 0.00001; TOPMed 0.00002; gnomAD 0.00003.
gnomAD v4.1: 20 of 1,614,040 alleles (0.0012%); highest among the groups gnomAD compares: African/African-American, 0.0053%; no homozygotes.

Submission:

Labcorp Genetics (formerly Invitae), Labcorp
Classification: Uncertain significance for Peroxisome biogenesis disorder. Last evaluated: 2022-08-23. Review status: criteria provided, single submitter. Criteria: Invitae Variant Classification Sherloc (09022015). Collection method: clinical testing. Allele origin: germline.
Comment: This sequence change replaces proline, which is neutral and non-polar, with leucine, which is neutral and non-polar, at codon 261 of the PEX6 protein (p.Pro261Leu). This variant is present in population databases (rs753014991, gnomAD 0.01%). This variant has not been reported in the literature in individuals affected with PEX6-related conditions. ClinVar contains an entry for this variant (Variation ID: 1423053). Algorithms developed to predict the effect of missense changes on protein structure and function (SIFT, PolyPhen-2, Align-GVGD) all suggest that this variant is likely to be tolerated. In summary, the available evidence is currently insufficient to determine the role of this variant in disease. Therefore, it has been classified as a Variant of Uncertain Significance.

NM_000287.4(PEX6):c.782C>T (p.Pro261Leu)

Gene: PEX6 (peroxisomal biogenesis factor 6; minus strand). Cytogenetic location: 6p21.1.
Variant type: single nucleotide variant.
Coding change: c.782C>T on transcript NM_000287.4 (MANE Select); coding-DNA position 782, C replaced by T.
Protein change: p.Pro261Leu; replaces proline 261 with leucine.
Molecular consequence: missense variant. On other transcripts: non-coding transcript variant (1), intron variant (1).
Genome position (GRCh38, 1-based): chr6:42,978,369, G>A on the plus strand (C>T on the coding strand, the complement: PEX6 is on the minus strand). VCF-style: chr6-42978369-G-A. GRCh37 (hg19) VCF-style: chr6-42946107-G-A.
Other names: c.618+164C>T (NM_001316313.2); short protein forms P261L.
Identifiers: ClinVar variation 1423053 (VCV001423053.5), dbSNP rs753014991, ClinGen allele CA3811566.